The following is an entry in ClinVar:

ClinVar aggregate classification (germline): Uncertain significance (1 of 4 stars; one submission).

Submission:

GeneDx
Classification: Uncertain significance. Last evaluated: 2024-01-29. Review status: criteria provided, single submitter. Criteria: GeneDx Variant Classification Process June 2021. Collection method: clinical testing. Allele origin: germline. Affected: yes.
Comment: Not observed at significant frequency in large population cohorts (gnomAD); In silico analysis supports that this missense variant has a deleterious effect on protein structure/function; Has not been previously published as pathogenic or benign to our knowledge

NM_001042424.3(NSD2):c.1429G>T (p.Asp477Tyr)

Gene: NSD2 (nuclear receptor binding SET domain protein 2; plus strand). Cytogenetic location: 4p16.3.
Variant type: single nucleotide variant.
Coding change: c.1429G>T on transcript NM_001042424.3 (MANE Select); coding-DNA position 1429, G replaced by T.
Protein change: p.Asp477Tyr; replaces aspartic acid 477 with tyrosine.
Molecular consequence: missense variant.
Genome position (GRCh38, 1-based): chr4:1,930,644, G>T. VCF-style: chr4-1930644-G-T. GRCh37 (hg19) VCF-style: chr4-1932371-G-T.
Other names: c.1429G>T, p.Asp477Tyr (NM_007331.2, NM_133330.3, NM_133331.3 and 2 more transcripts); short protein forms D477Y.
Identifiers: ClinVar variation 3368393 (VCV003368393.1).